The following is an entry in ClinVar:

NM_012282.4(KCNE5):c.109A>G (p.Met37Val)

Gene: KCNE5 (potassium voltage-gated channel subfamily E regulatory subunit 5; minus strand). Cytogenetic location: Xq23.
Variant type: single nucleotide variant.
Coding change: c.109A>G on transcript NM_012282.4 (MANE Select); coding-DNA position 109, A replaced by G.
Protein change: p.Met37Val; replaces methionine 37 with valine.
Molecular consequence: missense variant.
Genome position (GRCh38, 1-based): chrX:109,624,912, T>C on the plus strand (A>G on the coding strand, the complement: KCNE5 is on the minus strand). VCF-style: chrX-109624912-T-C. GRCh37 (hg19) VCF-style: chrX-108868141-T-C.
Other names: short protein forms M37V.
Identifiers: ClinVar variation 4755238 (VCV004755238.1).

ClinVar aggregate classification (germline): Uncertain significance (1 of 4 stars; one submission).

Conditions:
Brugada syndrome. Also called: Sudden unexplained nocturnal death syndrome; Sudden Unexplained Death Syndrome; Sudden Unexplained Nocturnal Death Syndrome (SUNDS); Sudden unexpected nocturnal death syndrome. Identifiers: Orphanet 130, MedGen C1142166, MONDO:0015263.

Submission:

Labcorp Genetics (formerly Invitae), Labcorp
Classification: Uncertain significance for Brugada syndrome. Last evaluated: 2025-10-17. Review status: criteria provided, single submitter. Criteria: Invitae Variant Classification Sherloc (09022015). Collection method: clinical testing. Allele origin: germline.
Comment: This sequence change replaces methionine, which is neutral and non-polar, with valine, which is neutral and non-polar, at codon 37 of the KCNE5 protein (p.Met37Val). This variant is not present in population databases (gnomAD no frequency). This variant has not been reported in the literature in individuals affected with KCNE5-related conditions. An algorithm developed to predict the effect of missense changes on protein structure and function (PolyPhen-2) suggests that this variant is likely to be tolerated. In summary, the available evidence is currently insufficient to determine the role of this variant in disease. Therefore, it has been classified as a Variant of Uncertain Significance.